The following is an entry in ClinVar:

NM_020778.4(ALPK3):c.497G>C

Gene: ALPK3 (alpha kinase 3; plus strand). Cytogenetic location: 15q25.3.
Variant type: single nucleotide variant.
Coding change: c.497G>C on transcript NM_020778.4; coding-DNA position 497, G replaced by C.
Genome position (GRCh38, 1-based): chr15:84,817,343, G>C. VCF-style: chr15-84817343-G-C. GRCh37 (hg19) VCF-style: chr15-85360574-G-C.
Identifiers: ClinVar variation 4871214 (VCV004871214.1).

ClinVar aggregate classification (germline): Uncertain significance (1 of 4 stars; one submission).

Conditions:
Cardiovascular phenotype. Identifiers: MedGen CN230736.

Submission:

Ambry Genetics
Classification: Uncertain significance for Cardiovascular phenotype. Last evaluated: 2026-03-30. Review status: criteria provided, single submitter. Criteria: Ambry Variant Classification Scheme 2023. Collection method: clinical testing. Allele origin: germline.
Comment: The p.R166P variant (also known as c.497G>C), located in coding exon 1 of the ALPK3 gene, results from a G to C substitution at nucleotide position 497. The arginine at codon 166 is replaced by proline, an amino acid with dissimilar properties. This amino acid position is conserved. In addition, this alteration is predicted to be tolerated by in silico analysis. Based on the available evidence, the clinical significance of this variant remains unclear.